The following is an entry in ClinVar:

ClinVar aggregate classification (germline): Uncertain significance. Review status: criteria provided, single submitter (1 of 4 stars). 2 submissions from 2 submitters: Uncertain significance (1). 1 of the submissions does not count toward it. Last evaluated 2022-08-23.

Conditions:
Familial dysautonomia. Also called: HSAN III; FD. Identifiers: Orphanet 1764, MedGen C0013364, MONDO:0009131, OMIM 223900. Disease mechanism: loss of function.

Allele frequency attached by ClinVar (database versions not stated): gnomAD exomes below 0.00001 and 0.00001; ExAC 0.00002; ESP Exome Variant Server 0.00008.
gnomAD v4.1: 1 of 1,614,004 alleles (0.000062%); highest among the groups gnomAD compares: Non-Finnish European, 0.000085%; no homozygotes.

Submissions (2):

Labcorp Genetics (formerly Invitae), Labcorp
Classification: Uncertain significance. Last evaluated: 2022-08-23. Review status: criteria provided, single submitter. Criteria: Invitae Variant Classification Sherloc (09022015). Collection method: clinical testing. Allele origin: germline.
Comment: This sequence change replaces proline, which is neutral and non-polar, with serine, which is neutral and polar, at codon 260 of the IKBKAP protein (p.Pro260Ser). This variant is present in population databases (rs371587578, gnomAD 0.002%). This variant has not been reported in the literature in individuals affected with IKBKAP-related conditions. ClinVar contains an entry for this variant (Variation ID: 645772). Algorithms developed to predict the effect of missense changes on protein structure and function are either unavailable or do not agree on the potential impact of this missense change (SIFT: "Tolerated"; PolyPhen-2: "Probably Damaging"; Align-GVGD: "Class C0"). In summary, the available evidence is currently insufficient to determine the role of this variant in disease. Therefore, it has been classified as a Variant of Uncertain Significance.

Natera, Inc.
Classification: Uncertain significance for Familial dysautonomia. Last evaluated: 2021-05-05. Review status: no assertion criteria provided. Collection method: clinical testing. Allele origin: germline. Not counted in ClinVar's aggregate classification.

NM_003640.5(ELP1):c.778C>T (p.Pro260Ser)

Gene: ELP1 (elongator acetyltransferase complex subunit 1; minus strand). Cytogenetic location: 9q31.3.
Variant type: single nucleotide variant.
Coding change: c.778C>T on transcript NM_003640.5 (MANE Select); coding-DNA position 778, C replaced by T.
Protein change: p.Pro260Ser; replaces proline 260 with serine.
Molecular consequence: missense variant. On other transcripts: 5 prime UTR variant (1).
Genome position (GRCh38, 1-based): chr9:108,917,633, G>A on the plus strand (C>T on the coding strand, the complement: ELP1 is on the minus strand). VCF-style: chr9-108917633-G-A. GRCh37 (hg19) VCF-style: chr9-111679913-G-A.
Other names: c.778C>T (LRG_251t1); c.436C>T, p.Pro146Ser (NM_001318360.2); c.-270C>T (NM_001330749.2); short protein forms P260S, P146S.
Identifiers: ClinVar variation 645772 (VCV000645772.14), dbSNP rs371587578, ClinGen allele CA5175236.